The following is an entry in ClinVar:

NM_000277.3(PAH):c.1210G>T (p.Ala404Ser)

Gene: PAH (phenylalanine hydroxylase; minus strand). Cytogenetic location: 12q23.2.
Variant type: single nucleotide variant.
Coding change: c.1210G>T on transcript NM_000277.3 (MANE Select); coding-DNA position 1210, G replaced by T.
Protein change: p.Ala404Ser; replaces alanine 404 with serine.
Molecular consequence: missense variant.
Genome position (GRCh38, 1-based): chr12:102,840,505, C>A on the plus strand (G>T on the coding strand, the complement: PAH is on the minus strand). VCF-style: chr12-102840505-C-A. GRCh37 (hg19) VCF-style: chr12-103234283-C-A.
Other names: c.1210G>T, p.Ala404Ser (NM_001354304.2); short protein forms A404S.
Identifiers: ClinVar variation 2428043 (VCV002428043.6), dbSNP rs886043085, ClinGen allele CA386493099.
Genomic context (GRCh38, chr12:102,840,505, plus strand): 5'-AGACCTCAATCCTTTGGGTGTATGGGTCGTAGCGAACTGAGAAGGGCCGAGGTATTGTGG[C>A]AGCAAAGTTCCTAAGACCAAAACCACAGGCTTGAGTGAAGGGCACCATTTGGAGAAAGGT-3'
Protein context (NP_000268.1, residues 394-414): DAKEKVRNFA[Ala404Ser]TIPRPFSVRY

ClinVar aggregate classification (germline): Uncertain significance (1 of 4 stars; one submission).

Conditions:
Phenylketonuria (PKU). Also called: OLIGOPHRENIA PHENYLPYRUVICA; Phenylketonurias; Phenylketonuria (PKU); FOLLING DISEASE. Identifiers: Orphanet 716, MedGen C0031485, MONDO:0009861, OMIM 261600. Disease mechanism: loss of function.

Allele frequency attached by ClinVar (database versions not stated): gnomAD 0.00001.
gnomAD v4.1: 2 of 1,612,992 alleles (0.00012%); highest among the groups gnomAD compares: Admixed American, 0.0033%; no homozygotes.

Submission:

Labcorp Genetics (formerly Invitae), Labcorp
Classification: Uncertain significance for Phenylketonuria. Last evaluated: 2025-09-15. Review status: criteria provided, single submitter. Criteria: Invitae Variant Classification Sherloc (09022015). Collection method: clinical testing. Allele origin: germline.
Comment: This sequence change replaces alanine, which is neutral and non-polar, with serine, which is neutral and polar, at codon 404 of the PAH protein (p.Ala404Ser). The frequency data for this variant in the population databases is considered unreliable, as metrics indicate poor data quality at this position in the gnomAD database. This variant has not been reported in the literature in individuals affected with PAH-related conditions. ClinVar contains an entry for this variant (Variation ID: 2428043). Invitae Evidence Modeling of protein sequence and biophysical properties (such as structural, functional, and spatial information, amino acid conservation, physicochemical variation, residue mobility, and thermodynamic stability) indicates that this missense variant is not expected to disrupt PAH protein function with a negative predictive value of 80%. In summary, the available evidence is currently insufficient to determine the role of this variant in disease. Therefore, it has been classified as a Variant of Uncertain Significance.